The following is an entry in ClinVar:

NM_024417.5(FDXR):c.24G>T (p.Trp8Cys)

Genes: FDXR (ferredoxin reductase; minus strand), LOC112533667 (Sharpr-MPRA regulatory region 86; plus strand). Cytogenetic location: 17q25.1.
Variant type: single nucleotide variant.
Coding change: c.24G>T on transcript NM_024417.5 (MANE Select); coding-DNA position 24, G replaced by T.
Protein change: p.Trp8Cys; replaces tryptophan 8 with cysteine.
Molecular consequence: missense variant. On other transcripts: non-coding transcript variant (1).
Genome position (GRCh38, 1-based): chr17:74,872,921, C>A on the plus strand (G>T on the coding strand, the complement: FDXR is on the minus strand). VCF-style: chr17-74872921-C-A. GRCh37 (hg19) VCF-style: chr17-72869046-C-A.
Other names: c.24G>T, p.Trp8Cys (NM_001258012.4, NM_001258013.4, NM_001258014.4 and 2 more transcripts); short protein forms W8C.
Identifiers: ClinVar variation 3094349 (VCV003094349.4), dbSNP rs755075339, ClinGen allele CA8753403.

ClinVar aggregate classification (germline): Uncertain significance. Review status: criteria provided, multiple submitters, no conflicts (2 of 4 stars). 2 submissions from 2 submitters: Uncertain significance (2). Last evaluated 2026-07-10.

Conditions:
Inborn genetic diseases. Identifiers: MedGen C0950123, MeSH D030342.

Allele frequency attached by ClinVar (database versions not stated): ExAC 0.00007; gnomAD 0.00026; gnomAD exomes 0.00001; TOPMed 0.00070.

Submissions (2):

Ambry Genetics
Classification: Uncertain significance for Inborn genetic diseases. Last evaluated: 2026-07-10. Review status: criteria provided, single submitter. Criteria: Ambry Variant Classification Scheme 2023. Collection method: clinical testing. Allele origin: germline.
Comment: The c.24G>T (p.W8C) alteration is located in exon 1 (coding exon 1) of the FDXR gene. This alteration results from a G to T substitution at nucleotide position 24, causing the tryptophan (W) at amino acid position 8 to be replaced by a cysteine (C). Based on data from gnomAD, the T allele has an overall frequency of 0.006% (12/186348) total alleles studied. The highest observed frequency was 0.055% (3/5432) of Other alleles. Based on insufficient or conflicting evidence, the clinical significance of this alteration remains unclear.

Blueprint Genetics
Classification: Uncertain significance. Last evaluated: 2022-06-06. Review status: criteria provided, single submitter. Criteria: ACMG Guidelines, 2015. Collection method: clinical testing. Allele origin: germline.